The following is an entry in ClinVar:

NM_004287.5(GOSR2):c.95-2A>G

Genes: GOSR2 (golgi SNAP receptor complex member 2; plus strand), LRRC37A2 (leucine rich repeat containing 37 member A2), LOC126862578 (BRD4-independent group 4 enhancer GRCh37_chr17:45008344-45009543; plus strand). Cytogenetic location: 17q21.32.
Variant type: single nucleotide variant.
Coding change: c.95-2A>G on transcript NM_004287.5 (MANE Select); the canonical splice acceptor site of the intron before coding-DNA position 95, A replaced by G.
Molecular consequence: splice acceptor variant. On other transcripts: intron variant (3).
Genome position (GRCh38, 1-based): chr17:46,931,097, A>G. VCF-style: chr17-46931097-A-G. GRCh37 (hg19) VCF-style: chr17-45008463-A-G.
Other names: c.95-2A>G (NM_001321133.2, NM_054022.4, NM_001330252.2 and 1 more transcripts); c.41-2A>G (NM_001363851.2, NM_001321134.2); c.95-5A>G (NM_001353114.2, NM_001353115.2, NM_001353116.2).
Identifiers: ClinVar variation 4737197 (VCV004737197.1).

ClinVar aggregate classification (germline): Likely pathogenic (1 of 4 stars; one submission).

Conditions:
Progressive myoclonic epilepsy. Also called: Familial progressive myoclonic epilepsy; Myoclonic Epilepsies, Progressive; Myoclonus epilepsy; Progressive myoclonus epilepsy. Identifiers: Orphanet 308, Orphanet 98261, MedGen C0751778, MONDO:0020074.

gnomAD v4.1: 1 of 1,456,706 alleles (0.000069%); highest among the groups gnomAD compares: Non-Finnish European, 0.000096%; no homozygotes.

Submission:

Labcorp Genetics (formerly Invitae), Labcorp
Classification: Likely pathogenic for Progressive myoclonic epilepsy. Last evaluated: 2025-09-03. Review status: criteria provided, single submitter. Criteria: Invitae Variant Classification Sherloc (09022015). Collection method: clinical testing. Allele origin: germline.
Comment: This sequence change affects an acceptor splice site in intron 2 of the GOSR2 gene. It is expected to disrupt RNA splicing. Variants that disrupt the donor or acceptor splice site typically lead to a loss of protein function (PMID: 16199547), and loss-of-function variants in GOSR2 are known to be pathogenic (PMID: 21549339). This variant is present in population databases (rs751429217, gnomAD 0.0009%). This variant has not been reported in the literature in individuals affected with GOSR2-related conditions. Algorithms developed to predict the effect of sequence changes on RNA splicing suggest that this variant may disrupt the consensus splice site. In summary, the currently available evidence indicates that the variant is pathogenic, but additional data are needed to prove that conclusively. Therefore, this variant has been classified as Likely Pathogenic.

Literature cited by the submitters: PubMed 16199547; PubMed 21549339.